The following is an entry in ClinVar:

NM_001142800.2(EYS):c.7826G>A (p.Cys2609Tyr)

Gene: EYS (EGF-like photoreceptor maintenance factor; minus strand). Cytogenetic location: 6q12.
Variant type: single nucleotide variant.
Coding change: c.7826G>A on transcript NM_001142800.2 (MANE Select); coding-DNA position 7826, G replaced by A.
Protein change: p.Cys2609Tyr; replaces cysteine 2609 with tyrosine.
Molecular consequence: missense variant.
Genome position (GRCh38, 1-based): chr6:63,778,078, C>T on the plus strand (G>A on the coding strand, the complement: EYS is on the minus strand). VCF-style: chr6-63778078-C-T. GRCh37 (hg19) VCF-style: chr6-64487971-C-T.
Other names: c.7826G>A (NM_001142800.1); c.7826G>A, p.Cys2609Tyr (NM_001292009.2); short protein forms C2609Y.
Identifiers: ClinVar variation 1505259 (VCV001505259.9), dbSNP rs755966517, ClinGen allele CA3876774.

ClinVar aggregate classification (germline): Uncertain significance. Review status: criteria provided, single submitter (1 of 4 stars). 2 submissions from 2 submitters: Uncertain significance (1). 1 of the submissions does not count toward it. Last evaluated 2024-10-21.

Conditions:
Retinitis pigmentosa 25 (RP25). Identifiers: Orphanet 791, MedGen C1864446, MONDO:0011272, OMIM 602772.

Allele frequency attached by ClinVar (database versions not stated): ExAC 0.00014.
gnomAD v4.1: 6 of 1,551,712 alleles (0.00039%); highest among the groups gnomAD compares: South Asian, 0.0071%; no homozygotes.

Submissions (2):

Labcorp Genetics (formerly Invitae), Labcorp
Classification: Uncertain significance. Last evaluated: 2024-10-21. Review status: criteria provided, single submitter. Criteria: Invitae Variant Classification Sherloc (09022015). Collection method: clinical testing. Allele origin: germline.
Comment: This sequence change replaces cysteine, which is neutral and slightly polar, with tyrosine, which is neutral and polar, at codon 2609 of the EYS protein (p.Cys2609Tyr). This variant is present in population databases (rs755966517, gnomAD 0.009%). This variant has not been reported in the literature in individuals affected with EYS-related conditions. ClinVar contains an entry for this variant (Variation ID: 1505259). Invitae Evidence Modeling of protein sequence and biophysical properties (such as structural, functional, and spatial information, amino acid conservation, physicochemical variation, residue mobility, and thermodynamic stability) has been performed for this missense variant. However, the output from this modeling did not meet the statistical confidence thresholds required to predict the impact of this variant on EYS protein function. In summary, the available evidence is currently insufficient to determine the role of this variant in disease. Therefore, it has been classified as a Variant of Uncertain Significance.

Natera, Inc.
Classification: Uncertain significance for Retinitis pigmentosa type 25. Last evaluated: 2025-02-28. Review status: no assertion criteria provided. Collection method: clinical testing. Allele origin: germline. Not counted in ClinVar's aggregate classification.